The following is an entry in ClinVar:

NM_001267550.2(TTN):c.13584T>C (p.Tyr4528=)

Gene: TTN (titin; minus strand). Cytogenetic location: 2q31.2.
Variant type: single nucleotide variant.
Coding change: c.13584T>C on transcript NM_001267550.2 (MANE Select); coding-DNA position 13584, T replaced by C.
Protein change: p.Tyr4528=; no amino-acid change (tyrosine 4528 retained).
Molecular consequence: synonymous variant. On other transcripts: intron variant (1).
Genome position (GRCh38, 1-based): chr2:178,739,649, A>G on the plus strand (T>C on the coding strand, the complement: TTN is on the minus strand). VCF-style: chr2-178739649-A-G. GRCh37 (hg19) VCF-style: chr2-179604376-A-G.
Other names: p.Tyr4211=; c.12633T>C, p.Tyr4211= (NM_001256850.1); c.12495T>C, p.Tyr4165= (NM_003319.4); c.12870T>C, p.Tyr4290= (NM_133432.3); c.13071T>C, p.Tyr4357= (NM_133437.4); c.10361-1289T>C (NM_133378.4).
Identifiers: ClinVar variation 391520 (VCV000391520.13), dbSNP rs780863409, ClinGen allele CA2002560.

ClinVar aggregate classification (germline): Likely benign. Review status: criteria provided, multiple submitters, no conflicts (2 of 4 stars). 5 submissions from 5 submitters: Likely benign (5). Last evaluated 2026-01-28.

Conditions:
Autosomal recessive limb-girdle muscular dystrophy type 2J (LGMDR10). Also called: Limb-girdle muscular dystrophy, type 2J; MUSCULAR DYSTROPHY, LIMB-GIRDLE, AUTOSOMAL RECESSIVE 10. Identifiers: Orphanet 140922, MedGen C1837342, MONDO:0012127, OMIM 608807.
Dilated cardiomyopathy 1G (CMD1G). Identifiers: Orphanet 154, MedGen C1858763, MONDO:0011400, OMIM 604145.
Cardiovascular phenotype. Identifiers: MedGen CN230736.

Allele frequency attached by ClinVar (database versions not stated): gnomAD 0.00001; TOPMed 0.00001; gnomAD exomes 0.00002 and 0.00009; ExAC 0.00008.
gnomAD v4.1: 24 of 1,613,772 alleles (0.0015%); highest among the groups gnomAD compares: East Asian, 0.053%; no homozygotes.

Submissions (5):

Labcorp Genetics (formerly Invitae), Labcorp
Classification: Likely benign for Dilated cardiomyopathy 1G; Autosomal recessive limb-girdle muscular dystrophy type 2J. Last evaluated: 2026-01-28. Review status: criteria provided, single submitter. Criteria: Invitae Variant Classification Sherloc (09022015). Collection method: clinical testing. Allele origin: germline.

Mayo Clinic Laboratories, Mayo Clinic
Classification: Likely benign. Last evaluated: 2025-09-30. Review status: criteria provided, single submitter. Criteria: ACMG Guidelines, 2015. Collection method: clinical testing. Allele origin: germline. Observed: 1 variant allele.
Comment: BS1, BP4, BP7

Molecular Diagnostic Laboratory for Inherited Cardiovascular Disease, Montreal Heart Institute
Classification: Likely benign. Last evaluated: 2025-04-09. Review status: criteria provided, single submitter. Criteria: ACMG Guidelines, 2015. Collection method: clinical testing. Allele origin: germline. Affected: no.

Ambry Genetics
Classification: Likely benign for Cardiovascular phenotype. Last evaluated: 2019-10-20. Review status: criteria provided, single submitter. Criteria: Ambry Variant Classification Scheme 2023. Collection method: clinical testing. Allele origin: germline.

GeneDx
Classification: Likely benign. Last evaluated: 2016-12-07. Review status: criteria provided, single submitter. Criteria: GeneDx Variant Classification (06012015). Collection method: clinical testing. Allele origin: germline. Affected: yes.
Comment: This variant is considered likely benign or benign based on one or more of the following criteria: it is a conservative change, it occurs at a poorly conserved position in the protein, it is predicted to be benign by multiple in silico algorithms, and/or has population frequency not consistent with disease.